The following is an entry in ClinVar:

ClinVar aggregate classification (germline): Uncertain significance. Review status: criteria provided, multiple submitters, no conflicts (2 of 4 stars). 2 submissions from 2 submitters: Uncertain significance (2). Last evaluated 2025-03-17.

Conditions:
Achondrogenesis, type IA (ACG1A). Identifiers: Orphanet 932, Orphanet 93299, MedGen C0265273, MONDO:0008701, OMIM 200600.
Inborn genetic diseases. Identifiers: MedGen C0950123, MeSH D030342.

Allele frequency attached by ClinVar (database versions not stated): gnomAD 0.00001; TOPMed 0.00001; ExAC 0.00004; gnomAD exomes 0.00006.
gnomAD v4.1: 13 of 1,613,912 alleles (0.00081%); highest among the groups gnomAD compares: Admixed American, 0.022%; no homozygotes.

Submissions (2):

Labcorp Genetics (formerly Invitae), Labcorp
Classification: Uncertain significance for Achondrogenesis, type IA. Last evaluated: 2025-03-17. Review status: criteria provided, single submitter. Criteria: Invitae Variant Classification Sherloc (09022015). Collection method: clinical testing. Allele origin: germline.
Comment: This sequence change replaces isoleucine, which is neutral and non-polar, with serine, which is neutral and polar, at codon 424 of the TRIP11 protein (p.Ile424Ser). This variant is present in population databases (rs755311537, gnomAD 0.04%). This variant has not been reported in the literature in individuals affected with TRIP11-related conditions. ClinVar contains an entry for this variant (Variation ID: 571660). Invitae Evidence Modeling of protein sequence and biophysical properties (such as structural, functional, and spatial information, amino acid conservation, physicochemical variation, residue mobility, and thermodynamic stability) indicates that this missense variant is not expected to disrupt TRIP11 protein function with a negative predictive value of 80%. In summary, the available evidence is currently insufficient to determine the role of this variant in disease. Therefore, it has been classified as a Variant of Uncertain Significance.

Ambry Genetics
Classification: Uncertain significance for Inborn genetic diseases. Last evaluated: 2022-08-08. Review status: criteria provided, single submitter. Criteria: Ambry Variant Classification Scheme 2023. Collection method: clinical testing. Allele origin: germline.

NM_004239.4(TRIP11):c.1271T>G (p.Ile424Ser)

Gene: TRIP11 (thyroid hormone receptor interactor 11; minus strand). Cytogenetic location: 14q32.12.
Variant type: single nucleotide variant.
Coding change: c.1271T>G on transcript NM_004239.4 (MANE Select); coding-DNA position 1271, T replaced by G.
Protein change: p.Ile424Ser; replaces isoleucine 424 with serine.
Molecular consequence: missense variant.
Genome position (GRCh38, 1-based): chr14:92,011,029, A>C on the plus strand (T>G on the coding strand, the complement: TRIP11 is on the minus strand). VCF-style: chr14-92011029-A-C. GRCh37 (hg19) VCF-style: chr14-92477373-A-C.
Other names: c.1268T>G, p.Ile423Ser (NM_001321851.1); c.1271T>G (NM_004239.3); short protein forms I424S, I423S.
Identifiers: ClinVar variation 571660 (VCV000571660.7), dbSNP rs755311537, ClinGen allele CA7313972.
Genomic context (GRCh38, chr14:92,011,029, plus strand): 5'-ATTTTTACAGCACCCACCTTTTCTTGACTCAGTAATGACTTCTCTTTTTCTAAAACTTCG[A>C]TACGCATTTTAAGTTTCAGATTGTCTTCAGCAAGACTGTTATCCTACAAAAATGTTAAAG-3'
Protein context (NP_004230.2, residues 414-434): AEDNLKLKMR[Ile424Ser]EVLEKEKSLL